The following is an entry in ClinVar:

NM_016156.6(MTMR2):c.1318C>T (p.Arg440Ter)

Gene: MTMR2 (myotubularin related protein 2; minus strand). Cytogenetic location: 11q21.
Variant type: single nucleotide variant.
Coding change: c.1318C>T on transcript NM_016156.6 (MANE Select); coding-DNA position 1318, C replaced by T.
Protein change: p.Arg440Ter; replaces arginine 440 with a stop codon.
Molecular consequence: nonsense.
Genome position (GRCh38, 1-based): chr11:95,845,021, G>A on the plus strand (C>T on the coding strand, the complement: MTMR2 is on the minus strand). VCF-style: chr11-95845021-G-A. GRCh37 (hg19) VCF-style: chr11-95578185-G-A.
Other names: c.1102C>T, p.Arg368Ter (NM_001243571.2, NM_201278.3, NM_201281.3); short protein forms R368*, R440*.
Identifiers: ClinVar variation 1069360 (VCV001069360.8), dbSNP rs751677491, ClinGen allele CA6240031.

ClinVar aggregate classification (germline): Pathogenic (1 of 4 stars; one submission).

Conditions:
Charcot-Marie-Tooth disease type 4. Also called: Charcot-Marie-Tooth disease, type IV; Charcot-Marie-Tooth, Type 4. Identifiers: Orphanet 64749, MedGen C4082197, MONDO:0018995.

Allele frequency attached by ClinVar (database versions not stated): gnomAD exomes below 0.00001 and 0.00001; ExAC 0.00001.
gnomAD v4.1: 5 of 1,613,816 alleles (0.00031%); highest among the groups gnomAD compares: African/African-American, 0.0013%; no homozygotes.

Submission:

Labcorp Genetics (formerly Invitae), Labcorp
Classification: Pathogenic for Charcot-Marie-Tooth disease type 4. Last evaluated: 2023-01-18. Review status: criteria provided, single submitter. Criteria: Invitae Variant Classification Sherloc (09022015). Collection method: clinical testing. Allele origin: germline.
Comment: This sequence change creates a premature translational stop signal (p.Arg440*) in the MTMR2 gene. It is expected to result in an absent or disrupted protein product. Loss-of-function variants in MTMR2 are known to be pathogenic (PMID: 10802647). This variant has not been reported in the literature in individuals affected with MTMR2-related conditions. ClinVar contains an entry for this variant (Variation ID: 1069360). For these reasons, this variant has been classified as Pathogenic. This variant is present in population databases (rs751677491, gnomAD 0.003%).

Literature cited by the submitters: PubMed 10802647.